The following is an entry in ClinVar:

NM_000478.6(ALPL):c.659G>C (p.Gly220Ala)

Gene: ALPL (alkaline phosphatase, biomineralization associated; plus strand). Cytogenetic location: 1p36.12.
Variant type: single nucleotide variant.
Coding change: c.659G>C on transcript NM_000478.6 (MANE Select); coding-DNA position 659, G replaced by C.
Protein change: p.Gly220Ala; replaces glycine 220 with alanine.
Molecular consequence: missense variant.
Genome position (GRCh38, 1-based): chr1:21,568,114, G>C. VCF-style: chr1-21568114-G-C. GRCh37 (hg19) VCF-style: chr1-21894607-G-C.
Other names: c.494G>C, p.Gly165Ala (NM_001127501.4); c.428G>C, p.Gly143Ala (NM_001177520.3); c.659G>C, p.Gly220Ala (NM_001369803.2, NM_001369804.2, NM_001369805.2); c.659G>C (NM_000478.5); short protein forms G143A, G165A, G220A.
Identifiers: ClinVar variation 1076161 (VCV001076161.21), dbSNP rs1644592603, ClinGen allele CA338879046.
Genomic context (GRCh38, chr1:21,568,114, plus strand): 5'-TTCTGGGCATCTTGGAACCCTGCAGAAGTGATGGCTCCTGTCTCTTTTAGGTGATCATGG[G>C]GGGTGGCCGGAAATACATGTACCCCAAGAATAAAACTGATGTGGAGTATGAGAGTGACGA-3'
Protein context (NP_000469.3, residues 210-230): HNIRDIDVIM[Gly220Ala]GGRKYMYPKN

ClinVar aggregate classification (germline): Pathogenic/Likely pathogenic. Review status: criteria provided, multiple submitters, no conflicts (2 of 4 stars). 8 submissions from 8 submitters: Pathogenic (7); Likely pathogenic (1). Last evaluated 2025-11-01.

Conditions:
Infantile hypophosphatasia. Identifiers: Orphanet 247651, Orphanet 436, MedGen C0268412, MONDO:1010169, OMIM 241500, MONDO:0009427.
Adult hypophosphatasia. Identifiers: Orphanet 247676, Orphanet 436, MedGen C0268413, MONDO:1010154, OMIM 146300, MONDO:0007798.
Childhood hypophosphatasia. Identifiers: Orphanet 247667, Orphanet 436, MedGen C0220743, MONDO:1010168, OMIM 241510, MONDO:0009428.
Hypophosphatasia. Also called: Phosphoethanol-aminuria. Identifiers: Orphanet 436, MedGen C0020630, MeSH D007014, MONDO:0018570.

gnomAD v4.1: 3 of 1,614,112 alleles (0.00019%); highest among the groups gnomAD compares: Non-Finnish European, 0.00025%; no homozygotes.

Submissions (8):

CeGaT Center for Human Genetics Tuebingen
Classification: Pathogenic. Last evaluated: 2025-11-01. Review status: criteria provided, single submitter. Criteria: CeGaT Center For Human Genetics Tuebingen Variant Classification Criteria Version 2. Collection method: clinical testing. Allele origin: germline. Affected: yes. Observed: 1 variant allele.
Comment: ALPL: PM3:Strong, PM1, PM2, PM5, PS3:Supporting

Genomenon, Inc
Classification: Pathogenic for Hypophosphatasia. Last evaluated: 2025-08-29. Review status: criteria provided, single submitter. Criteria: Genomenon Sequence Variant Interpretation Standards. Collection method: curation. Allele origin: germline. Affected: yes.
Comment: ALPL c.659G>C is a missense variant that changes the amino acid at residue 220 from Glycine to Alanine. This variant has been observed in at least one proband affected with hypophosphatasia (PMID:32973344;12815606;28663156;22394703;22397652). At least one functional study has demonstrated a substantial alteration in protein function relative to the wild-type (PMID:32160374). This variant has also been described as Gly203Ala in the literature. It is absent or not present at a significant frequency in gnomAD. In silico models agree that this variant is possibly or probably damaging. In conclusion, we classify ALPL p.Gly220Ala (c.659G>C) as a pathogenic variant.

Natera, Inc.
Classification: Pathogenic for Hypophosphatasia. Last evaluated: 2025-02-04. Review status: criteria provided, single submitter. Criteria: Natera Variant Classification Schema (03/2026). Collection method: clinical testing. Allele origin: germline.
Comment: The c.659G>C variant in ALPL is a missense variant predicted to cause substitution of glycine to alanine at amino acid 220. This variant is rare in the general population with a frequency below the threshold expected for the associated phenotype(s). This variant has been observed in one or more individuals affected with the associated recessive disease, as either homozygous or compound heterozygous with a second variant (PMID: 28663156, 12815606, 22397652, 18925618). Functional studies show that this variant may disrupt protein function (PMID: 32160374). Computational prediction algorithms indicate this variant is likely to affect gene or protein function. Given the available evidence, this variant is classified as Pathogenic.

Fulgent Genetics
Classification: Pathogenic for Adult hypophosphatasia; Infantile hypophosphatasia; Childhood hypophosphatasia. Last evaluated: 2024-01-12. Review status: criteria provided, single submitter. Criteria: ACMG Guidelines, 2015. Collection method: clinical testing. Allele origin: germline.

JKU Lab, Dept of Paediatrics, Johannes Kepler University
Classification: Pathogenic for Hypophosphatasia. Last evaluated: 2023-10-24. Review status: criteria provided, single submitter. Criteria: ACMG Guidelines, 2015. Collection method: clinical testing. Allele origin: germline. Affected: yes. Observed: 1 compound heterozygote.
Comment: Absent in GnomAD.

Labcorp Genetics (formerly Invitae), Labcorp
Classification: Pathogenic. Last evaluated: 2023-10-17. Review status: criteria provided, single submitter. Criteria: Invitae Variant Classification Sherloc (09022015). Collection method: clinical testing. Allele origin: germline.
Comment: This sequence change replaces glycine, which is neutral and non-polar, with alanine, which is neutral and non-polar, at codon 220 of the ALPL protein (p.Gly220Ala). This variant is not present in population databases (gnomAD no frequency). This missense change has been observed in individuals with autosomal recessive hypophosphatasia (PMID: 12815606, 22394703, 28663156). This variant is also known as p.Gly203Ala. ClinVar contains an entry for this variant (Variation ID: 1076161). Advanced modeling of protein sequence and biophysical properties (such as structural, functional, and spatial information, amino acid conservation, physicochemical variation, residue mobility, and thermodynamic stability) performed at Invitae indicates that this missense variant is expected to disrupt ALPL protein function. This variant disrupts the p.Gly220 amino acid residue in ALPL. Other variant(s) that disrupt this residue have been determined to be pathogenic (PMID: 22397652, 25731960). This suggests that this residue is clinically significant, and that variants that disrupt this residue are likely to be disease-causing. For these reasons, this variant has been classified as Pathogenic.

Baylor Genetics
Classification: Pathogenic for Adult hypophosphatasia. Last evaluated: 2023-08-02. Review status: criteria provided, single submitter. Criteria: ACMG Guidelines, 2015. Collection method: clinical testing. Allele origin: unknown.

Royal Medical Services, Bahrain Defence Force Hospital
Classification: Likely pathogenic for Infantile hypophosphatasia. Review status: criteria provided, single submitter. Criteria: ACMG Guidelines, 2015. Collection method: clinical testing. Allele origin: germline. Inheritance: Autosomal recessive inheritance. Affected: yes. Observed: 1 homozygote.
Comment: The ALPL variant c.659G>C p.(Gly220Ala) causes an amino acid change from Gly to Ala at position 220 in exon(s) no. 7 (of 12). According to HGMD Professional 2024.2, this variant has previously been described as disease causing for Hypophosphatasia (PMID:12815606, 32160374, 36398383). ClinVar lists this variant (Interpretation: Pathogenic; ClinVar variation ID: VCV001076161.9).

Literature cited by the submitters: PubMed 32973344 (cited by Genomenon, Inc); PubMed 12815606 (cited by 4 submitters); PubMed 28663156 (cited by 3 submitters); PubMed 22394703 (cited by Genomenon, Inc and Labcorp Genetics (formerly Invitae), Labcorp); PubMed 22397652 (cited by 3 submitters); PubMed 32160374 (cited by 3 submitters); PubMed 18925618 (cited by Natera, Inc.); PubMed 25731960 (cited by Labcorp Genetics (formerly Invitae), Labcorp); PubMed 36398383 (cited by Royal Medical Services, Bahrain Defence Force Hospital).